The following is an entry in ClinVar:

ClinVar aggregate classification (germline): Pathogenic (1 of 4 stars; one submission).

Submission:

Labcorp Genetics (formerly Invitae), Labcorp
Classification: Pathogenic. Last evaluated: 2023-08-17. Review status: criteria provided, single submitter. Criteria: Invitae Variant Classification Sherloc (09022015). Collection method: clinical testing. Allele origin: germline.
Comment: For these reasons, this variant has been classified as Pathogenic. Advanced modeling of protein sequence and biophysical properties (such as structural, functional, and spatial information, amino acid conservation, physicochemical variation, residue mobility, and thermodynamic stability) has been performed at Invitae for this missense variant, however the output from this modeling did not meet the statistical confidence thresholds required to predict the impact of this variant on USH2A protein function. ClinVar contains an entry for this variant (Variation ID: 1455435). This missense change has been observed in individual(s) with USH2A-related conditions (PMID: 25333064, 25575603, 33576794). In at least one individual the data is consistent with being in trans (on the opposite chromosome) from a pathogenic variant. This variant is not present in population databases (gnomAD no frequency). This sequence change replaces glutamine, which is neutral and polar, with proline, which is neutral and non-polar, at codon 1718 of the USH2A protein (p.Gln1718Pro).

Literature cited by the submitters: PubMed 25333064; PubMed 25575603; PubMed 33576794.

NM_206933.4(USH2A):c.5153A>C (p.Gln1718Pro)

Genes: USH2A (usherin; minus strand), USH2A-AS2 (USH2A antisense RNA 2; plus strand). Cytogenetic location: 1q41.
Variant type: single nucleotide variant.
Coding change: c.5153A>C on transcript NM_206933.4 (MANE Select); coding-DNA position 5153, A replaced by C.
Protein change: p.Gln1718Pro; replaces glutamine 1718 with proline.
Molecular consequence: missense variant.
Genome position (GRCh38, 1-based): chr1:216,084,712, T>G on the plus strand (A>C on the coding strand, the complement: USH2A is on the minus strand). VCF-style: chr1-216084712-T-G. GRCh37 (hg19) VCF-style: chr1-216258054-T-G.
Other names: short protein forms Q1718P.
Identifiers: ClinVar variation 1455435 (VCV001455435.6), dbSNP rs2102561067, ClinGen allele CA344858734.